The following is an entry in ClinVar:

NM_024408.4(NOTCH2):c.3655+62T>G

Gene: NOTCH2 (notch receptor 2; minus strand). Cytogenetic location: 1p12.
Variant type: single nucleotide variant.
Coding change: c.3655+62T>G on transcript NM_024408.4 (MANE Select); 62 bases into the intron after coding-DNA position 3655, T replaced by G.
Molecular consequence: intron variant. On other transcripts: 3 prime UTR variant (1).
Genome position (GRCh38, 1-based): chr1:119,935,410, A>C on the plus strand (T>G on the coding strand, the complement: NOTCH2 is on the minus strand). VCF-style: chr1-119935410-A-C. GRCh37 (hg19) VCF-style: chr1-120478033-A-C.
Other names: c.*9T>G (NM_001200001.2).
Identifiers: ClinVar variation 3053998 (VCV003053998.2), dbSNP rs782416695, ClinGen allele CA1040005.
Genomic context (GRCh38, chr1:119,935,410, plus strand): 5'-AAATGCTTGGAATGAAGCTAGTCTTCCTATCTTTAATTTTATAAAATCCCCTGAACACTA[A>C]GAATGGATTTATAACTTAAGACAATGCCCTGGATGGAAAATGGATAAGGATGATTTCATA-3'

ClinVar aggregate classification (germline): Likely benign (0 of 4 stars; one submission).

Conditions:
NOTCH2-related disorder. Also called: NOTCH2-related condition.

Allele frequency attached by ClinVar (database versions not stated): ExAC 0.00001.
gnomAD v4.1: 1 of 1,613,654 alleles (0.000062%); no homozygotes.

Submission:

PreventionGenetics, part of Exact Sciences
Classification: Likely benign for NOTCH2-related condition. Last evaluated: 2022-03-16. Review status: no assertion criteria provided. Collection method: clinical testing. Allele origin: germline.
Comment: This variant is classified as likely benign based on ACMG/AMP sequence variant interpretation guidelines (Richards et al. 2015 PMID: 25741868, with internal and published modifications).